The following is an entry in ClinVar:

ClinVar aggregate classification (germline): Uncertain significance (1 of 4 stars; one submission).

Allele frequency attached by ClinVar (database versions not stated): TOPMed below 0.00001; gnomAD exomes 0.00001.
gnomAD v4.1: 10 of 1,605,168 alleles (0.00062%); highest among the groups gnomAD compares: East Asian, 0.0022%; no homozygotes.

Submission:

CeGaT Center for Human Genetics Tuebingen
Classification: Uncertain significance. Last evaluated: 2023-03-01. Review status: criteria provided, single submitter. Criteria: CeGaT Center For Human Genetics Tuebingen Variant Classification Criteria Version 2. Collection method: clinical testing. Allele origin: germline. Affected: yes. Observed: 1 variant allele.
Comment: PPP1R12A: PM2, PS2:Moderate, BP1

NM_002480.3(PPP1R12A):c.481C>T (p.Arg161Trp)

Gene: PPP1R12A (protein phosphatase 1 regulatory subunit 12A; minus strand). Cytogenetic location: 12q21.2.
Variant type: single nucleotide variant.
Coding change: c.481C>T on transcript NM_002480.3 (MANE Select); coding-DNA position 481, C replaced by T.
Protein change: p.Arg161Trp; replaces arginine 161 with tryptophan.
Molecular consequence: missense variant.
Genome position (GRCh38, 1-based): chr12:79,845,308, G>A on the plus strand (C>T on the coding strand, the complement: PPP1R12A is on the minus strand). VCF-style: chr12-79845308-G-A. GRCh37 (hg19) VCF-style: chr12-80239088-G-A.
Other names: c.481C>T, p.Arg161Trp (NM_001143885.2, NM_001244990.2, NM_001244992.1); c.220C>T, p.Arg74Trp (NM_001143886.2); short protein forms R161W, R74W.
Identifiers: ClinVar variation 2498564 (VCV002498564.28), dbSNP rs1276116316, ClinGen allele CA385836280.